The following is an entry in ClinVar:

NM_000368.5(TSC1):c.2840G>A (p.Arg947Lys)

Gene: TSC1 (TSC complex subunit 1; minus strand). Cytogenetic location: 9q34.13.
Variant type: single nucleotide variant.
Coding change: c.2840G>A on transcript NM_000368.5 (MANE Select); coding-DNA position 2840, G replaced by A.
Protein change: p.Arg947Lys; replaces arginine 947 with lysine.
Molecular consequence: missense variant. On other transcripts: non-coding transcript variant (5).
Genome position (GRCh38, 1-based): chr9:132,897,319, C>T on the plus strand (G>A on the coding strand, the complement: TSC1 is on the minus strand). VCF-style: chr9-132897319-C-T. GRCh37 (hg19) VCF-style: chr9-135772706-C-T.
Other names: c.2837G>A, p.Arg946Lys (NM_001162426.2, NM_001406597.1, NM_001406598.1 and 2 more transcripts); c.2687G>A, p.Arg896Lys (NM_001162427.2, NM_001406610.1); c.2477G>A, p.Arg826Lys (NM_001362177.2, NM_001406614.1, NM_001406615.1 and 4 more transcripts); c.2840G>A, p.Arg947Lys (NM_001406592.1, NM_001406593.1, NM_001406594.1 and 2 more transcripts); c.2825G>A, p.Arg942Lys (NM_001406601.1, NM_001406602.1); c.2642G>A, p.Arg881Lys (NM_001406613.1); c.2474G>A, p.Arg825Lys (NM_001406620.1, NM_001406621.1, NM_001406622.1 and 1 more transcripts); c.2435G>A, p.Arg812Lys (NM_001406624.1); and 8 more; short protein forms R596K, R629K, R933K, R942K, R946K, R881K, R932K, R947K.
Identifiers: ClinVar variation 2471319 (VCV002471319.4), dbSNP rs2131627751, ClinGen allele CA375368897.

ClinVar aggregate classification (germline): Uncertain significance. Review status: criteria provided, multiple submitters, no conflicts (2 of 4 stars). 2 submissions from 2 submitters: Uncertain significance (2). Last evaluated 2025-11-24.

Conditions:
Tuberous sclerosis 1 (TSC1). Identifiers: Orphanet 805, MedGen C1854465, MONDO:0008612, OMIM 191100.
Hereditary cancer-predisposing syndrome. Also called: Hereditary neoplastic syndrome; Tumor predisposition; Neoplastic Syndromes, Hereditary; Hereditary Cancer Syndrome. Identifiers: Orphanet 140162, MedGen C0027672, MeSH D009386, MONDO:0015356.

Submissions (2):

Ambry Genetics
Classification: Uncertain significance for Hereditary cancer-predisposing syndrome. Last evaluated: 2025-11-24. Review status: criteria provided, single submitter. Criteria: Ambry Variant Classification Scheme 2023. Collection method: clinical testing. Allele origin: germline.
Comment: The p.R947K variant (also known as c.2840G>A), located in coding exon 20 of the TSC1 gene, results from a G to A substitution at nucleotide position 2840. The arginine at codon 947 is replaced by lysine, an amino acid with highly similar properties. This amino acid position is conserved. In addition, the in silico prediction for this alteration is inconclusive. Based on the available evidence, the clinical significance of this variant remains unclear.

Labcorp Genetics (formerly Invitae), Labcorp
Classification: Uncertain significance for Tuberous sclerosis 1. Last evaluated: 2025-07-09. Review status: criteria provided, single submitter. Criteria: Invitae Variant Classification Sherloc (09022015). Collection method: clinical testing. Allele origin: germline.
Comment: This sequence change replaces arginine, which is basic and polar, with lysine, which is basic and polar, at codon 947 of the TSC1 protein (p.Arg947Lys). This variant is not present in population databases (gnomAD no frequency). This variant has not been reported in the literature in individuals affected with TSC1-related conditions. ClinVar contains an entry for this variant (Variation ID: 2471319). Invitae Evidence Modeling of protein sequence and biophysical properties (such as structural, functional, and spatial information, amino acid conservation, physicochemical variation, residue mobility, and thermodynamic stability) indicates that this missense variant is not expected to disrupt TSC1 protein function with a negative predictive value of 95%. In summary, the available evidence is currently insufficient to determine the role of this variant in disease. Therefore, it has been classified as a Variant of Uncertain Significance.